The following is an entry in ClinVar:

NM_000038.6(APC):c.5540C>A (p.Thr1847Lys)

Gene: APC (APC regulator of Wnt signaling pathway; plus strand). Cytogenetic location: 5q22.2.
Variant type: single nucleotide variant.
Coding change: c.5540C>A on transcript NM_000038.6 (MANE Select); coding-DNA position 5540, C replaced by A.
Protein change: p.Thr1847Lys; replaces threonine 1847 with lysine.
Molecular consequence: missense variant.
Genome position (GRCh38, 1-based): chr5:112,841,134, C>A. VCF-style: chr5-112841134-C-A. GRCh37 (hg19) VCF-style: chr5-112176831-C-A.
Other names: c.5540C>A, p.Thr1847Lys (NM_001127510.3, NM_001354895.2); c.5486C>A, p.Thr1829Lys (NM_001127511.3); c.5594C>A, p.Thr1865Lys (NM_001354896.2); c.5570C>A, p.Thr1857Lys (NM_001354897.2); c.5465C>A, p.Thr1822Lys (NM_001354898.2); c.5456C>A, p.Thr1819Lys (NM_001354899.2); c.5417C>A, p.Thr1806Lys (NM_001354900.2); c.5363C>A, p.Thr1788Lys (NM_001354901.2); and 5 more; short protein forms T1756K, T1806K, T1829K, T1865K, T1564K, T1847K, T1746K, T1788K.
Identifiers: ClinVar variation 1360643 (VCV001360643.8), dbSNP rs371686531, ClinGen allele CA16033454.

ClinVar aggregate classification (germline): Uncertain significance (1 of 4 stars; one submission).

Conditions:
Familial adenomatous polyposis 1 (FAP1). Also called: FAMILIAL ADENOMATOUS POLYPOSIS 1, ATTENUATED; POLYPOSIS, ADENOMATOUS INTESTINAL. Identifiers: MedGen C2713442, MONDO:0021056, OMIM 175100. Disease mechanism: loss of function.

Submission:

Labcorp Genetics (formerly Invitae), Labcorp
Classification: Uncertain significance for Familial adenomatous polyposis 1. Last evaluated: 2021-06-13. Review status: criteria provided, single submitter. Criteria: Invitae Variant Classification Sherloc (09022015). Collection method: clinical testing. Allele origin: germline.
Comment: In summary, the available evidence is currently insufficient to determine the role of this variant in disease. Therefore, it has been classified as a Variant of Uncertain Significance. Algorithms developed to predict the effect of sequence changes on RNA splicing suggest that this variant may create or strengthen a splice site, but this prediction has not been confirmed by published transcriptional studies. Algorithms developed to predict the effect of missense changes on protein structure and function are either unavailable or do not agree on the potential impact of this missense change (SIFT: "Deleterious"; PolyPhen-2: "Probably Damaging"; Align-GVGD: "Class C0"). This variant has not been reported in the literature in individuals with APC-related conditions. This variant is not present in population databases (ExAC no frequency). This sequence change replaces threonine with lysine at codon 1847 of the APC protein (p.Thr1847Lys). The threonine residue is highly conserved and there is a moderate physicochemical difference between threonine and lysine.